The following is an entry in ClinVar:

ClinVar aggregate classification (germline): Pathogenic (1 of 4 stars; one submission).

Conditions:
Dilated cardiomyopathy 1DD (CMD1DD). Identifiers: Orphanet 154, MedGen C2750995, MONDO:0013168, OMIM 613172.

Submission:

Labcorp Genetics (formerly Invitae), Labcorp
Classification: Pathogenic for Dilated cardiomyopathy 1DD. Last evaluated: 2025-11-21. Review status: criteria provided, single submitter. Criteria: Invitae Variant Classification Sherloc (09022015). Collection method: clinical testing. Allele origin: germline.
Comment: This sequence change creates a premature translational stop signal (p.Gln318*) in the RBM20 gene. It is expected to result in an absent or disrupted protein product. Loss-of-function variants in RBM20 are known to be pathogenic (PMID: 20590677, 22004663, 38288598, 38510713, 40339755). This variant is not present in population databases (gnomAD no frequency). This variant has not been reported in the literature in individuals affected with RBM20-related conditions. ClinVar contains an entry for this variant (Variation ID: 3654781). For these reasons, this variant has been classified as Pathogenic.

Literature cited by the submitters: PubMed 20590677; PubMed 22004663; PubMed 38288598; PubMed 38510713; PubMed 40339755.

NM_001134363.3(RBM20):c.952C>T (p.Gln318Ter)

Gene: RBM20 (RNA binding motif protein 20; plus strand). Cytogenetic location: 10q25.2.
Variant type: single nucleotide variant.
Coding change: c.952C>T on transcript NM_001134363.3 (MANE Select); coding-DNA position 952, C replaced by T.
Protein change: p.Gln318Ter; replaces glutamine 318 with a stop codon.
Molecular consequence: nonsense.
Genome position (GRCh38, 1-based): chr10:110,781,561, C>T. VCF-style: chr10-110781561-C-T. GRCh37 (hg19) VCF-style: chr10-112541319-C-T.
Other names: short protein forms Q318*.
Identifiers: ClinVar variation 3654781 (VCV003654781.2).
Genomic context (GRCh38, chr10:110,781,561, plus strand): 5'-GCTGAGCAGGCTGGGGGCCTGAAAAGTGAGGTCGGGCCACTGCTGCAGGGCACAAACAGC[C>T]AATGGGAGAGCCCCCATGGATTCTCGGGCCAAAGCAAGCCTGATCTCACAGCAGGTCCCA-3'